The following is an entry in ClinVar:

NM_001330078.2(NRXN1):c.1562A>G (p.His521Arg)

Gene: NRXN1 (neurexin 1; minus strand). Cytogenetic location: 2p16.3.
Variant type: single nucleotide variant.
Coding change: c.1562A>G on transcript NM_001330078.2 (MANE Select); coding-DNA position 1562, A replaced by G.
Protein change: p.His521Arg; replaces histidine 521 with arginine.
Molecular consequence: missense variant.
Genome position (GRCh38, 1-based): chr2:50,552,784, T>C on the plus strand (A>G on the coding strand, the complement: NRXN1 is on the minus strand). VCF-style: chr2-50552784-T-C. GRCh37 (hg19) VCF-style: chr2-50779922-T-C.
Other names: c.1682A>G, p.His561Arg (NM_001135659.3); c.1538A>G, p.His513Arg (NM_001330077.2, NM_001330082.2, NM_001330095.2); c.1523A>G, p.His508Arg (NM_001330083.2, NM_001330084.2); c.1562A>G, p.His521Arg (NM_001330085.2, NM_001330086.2, NM_004801.6); c.1478A>G, p.His493Arg (NM_001330087.2, NM_001330096.2); c.1508A>G, p.His503Arg (NM_001330088.2); c.1559A>G, p.His520Arg (NM_001330093.2); c.1550A>G, p.His517Arg (NM_001330094.2); short protein forms H493R, H503R, H508R, H513R, H517R, H520R, H521R, H561R.
Identifiers: ClinVar variation 3607021 (VCV003607021.2).

ClinVar aggregate classification (germline): Uncertain significance (1 of 4 stars; one submission).

Conditions:
Pitt-Hopkins-like syndrome 2 (PTHSL2). Identifiers: Orphanet 221150, Orphanet 600663, MedGen C3280479, MONDO:0013690, OMIM 614325.

gnomAD v4.1: 13 of 1,613,874 alleles (0.00081%); highest among the groups gnomAD compares: Non-Finnish European, 0.0011%; no homozygotes.

Submission:

Labcorp Genetics (formerly Invitae), Labcorp
Classification: Uncertain significance for Pitt-Hopkins-like syndrome 2. Last evaluated: 2025-11-17. Review status: criteria provided, single submitter. Criteria: Invitae Variant Classification Sherloc (09022015). Collection method: clinical testing. Allele origin: germline.
Comment: This sequence change replaces histidine, which is basic and polar, with arginine, which is basic and polar, at codon 561 of the NRXN1 protein (p.His561Arg). This variant is not present in population databases (gnomAD no frequency). This variant has not been reported in the literature in individuals affected with NRXN1-related conditions. ClinVar contains an entry for this variant (Variation ID: 3607021). Invitae Evidence Modeling of protein sequence and biophysical properties (such as structural, functional, and spatial information, amino acid conservation, physicochemical variation, residue mobility, and thermodynamic stability) indicates that this missense variant is not expected to disrupt NRXN1 protein function with a negative predictive value of 80%. In summary, the available evidence is currently insufficient to determine the role of this variant in disease. Therefore, it has been classified as a Variant of Uncertain Significance.